The following is an entry in ClinVar:

ClinVar aggregate classification (germline): Likely pathogenic. Review status: criteria provided, multiple submitters, no conflicts (2 of 4 stars). 3 submissions from 3 submitters: Likely pathogenic (3). Last evaluated 2024-12-19.

Conditions:
Maple syrup urine disease type 1A (MSUD1A). Also called: MSUD type 1A. Identifiers: MedGen C1855369, MONDO:0023691, OMIM 248600.
Maple syrup urine disease type 1B (MSUD1B). Also called: MSUD type IB; MSUD type 3 (formerly); MSUD due to deficiency of e1-beta subunit of branched-chain alpha-keto acid dehydrogenase complex. Identifiers: MedGen C2930990, MONDO:0023692, OMIM 620698.
Maple syrup urine disease (MSUD). Identifiers: Orphanet 511, MedGen C0024776, MeSH D008375, MONDO:0009563. Disease mechanism: loss of function.

Allele frequency attached by ClinVar (database versions not stated): gnomAD exomes below 0.00001; TOPMed below 0.00001.
gnomAD v4.1: 1 of 1,612,428 alleles (0.000062%); highest among the groups gnomAD compares: Non-Finnish European, 0.000085%; no homozygotes.

Submissions (3):

Natera, Inc.
Classification: Likely pathogenic for Maple syrup urine disease type 1B. Last evaluated: 2024-12-19. Review status: criteria provided, single submitter. Criteria: Natera Variant Classification Schema (03/2026). Collection method: clinical testing. Allele origin: germline.
Comment: The c.767A>G variant in BCKDHB is a missense variant predicted to cause substitution of tyrosine to cysteine at amino acid 256. This variant is rare in the general population with a frequency below the threshold expected for the associated phenotype(s). This variant has been observed in one or more individuals affected with the associated recessive disease, as either homozygous or compound heterozygous with a second variant (PMID: 26239723, 38837343, 37421976). This variant has been identified in one or more affected individuals with a phenotype highly consistent with the associated gene (PMID: 26239723, 37421976). Computational prediction algorithms indicate this variant is likely to affect gene or protein function. Given the available evidence, this variant is classified as Likely Pathogenic.

Baylor Genetics
Classification: Likely pathogenic for Maple syrup urine disease type 1A. Last evaluated: 2023-11-02. Review status: criteria provided, single submitter. Criteria: ACMG Guidelines, 2015. Collection method: clinical testing. Allele origin: unknown.

Labcorp Genetics (formerly Invitae), Labcorp
Classification: Likely pathogenic for Maple syrup urine disease. Last evaluated: 2022-11-02. Review status: criteria provided, single submitter. Criteria: Invitae Variant Classification Sherloc (09022015). Collection method: clinical testing. Allele origin: germline.
Comment: This sequence change replaces tyrosine, which is neutral and polar, with cysteine, which is neutral and slightly polar, at codon 256 of the BCKDHB protein (p.Tyr256Cys). In summary, the currently available evidence indicates that the variant is pathogenic, but additional data are needed to prove that conclusively. Therefore, this variant has been classified as Likely Pathogenic. Advanced modeling of protein sequence and biophysical properties (such as structural, functional, and spatial information, amino acid conservation, physicochemical variation, residue mobility, and thermodynamic stability) performed at Invitae indicates that this missense variant is expected to disrupt BCKDHB protein function. This missense change has been observed in individual(s) with maple syrup urine disease (PMID: 26239723). In at least one individual the data is consistent with being in trans (on the opposite chromosome) from a pathogenic variant. This variant is present in population databases (no rsID available, gnomAD 0.0009%).

Literature cited by the submitters: PubMed 26239723 (cited by Natera, Inc. and Labcorp Genetics (formerly Invitae), Labcorp); PubMed 38837343 (cited by Natera, Inc.); PubMed 37421976 (cited by Natera, Inc.).

NM_183050.4(BCKDHB):c.767A>G (p.Tyr256Cys)

Gene: BCKDHB (branched chain keto acid dehydrogenase E1 subunit beta; plus strand). Cytogenetic location: 6q14.1.
Variant type: single nucleotide variant.
Coding change: c.767A>G on transcript NM_183050.4 (MANE Select); coding-DNA position 767, A replaced by G.
Protein change: p.Tyr256Cys; replaces tyrosine 256 with cysteine.
Molecular consequence: missense variant. On other transcripts: non-coding transcript variant (1).
Genome position (GRCh38, 1-based): chr6:80,200,958, A>G. VCF-style: chr6-80200958-A-G. GRCh37 (hg19) VCF-style: chr6-80910675-A-G.
Other names: c.767A>G, p.Tyr256Cys (NM_000056.5); c.557A>G, p.Tyr186Cys (NM_001318975.1); c.767A>G (NM_183050.3); short protein forms Y186C, Y256C.
Identifiers: ClinVar variation 2136446 (VCV002136446.6), dbSNP rs1384040769, ClinGen allele CA364659935.
Genomic context (GRCh38, chr6:80,200,958, plus strand): 5'-AAATGTCCTTTTTTTTTTTTCCTGTTCTGTATTTAGCGGAAGAAGTCCCTATAGAACCAT[A>G]CAACATCCCACTGTCCCAGGCCGAAGTCATACAGGAAGGGAGTGATGTTACTCTAGTTGC-3'
Protein context (NP_898871.1, residues 246-266): AAAEEVPIEP[Tyr256Cys]NIPLSQAEVI